The following is an entry in ClinVar:

ClinVar aggregate classification (germline): Uncertain significance (1 of 4 stars; one submission).

Allele frequency attached by ClinVar (database versions not stated): gnomAD 0.00001.
gnomAD v4.1: 1 of 1,614,106 alleles (0.000062%); highest among the groups gnomAD compares: East Asian, 0.0022%; no homozygotes.

Submission:

Labcorp Genetics (formerly Invitae), Labcorp
Classification: Uncertain significance. Last evaluated: 2024-01-03. Review status: criteria provided, single submitter. Criteria: Invitae Variant Classification Sherloc (09022015). Collection method: clinical testing. Allele origin: germline.
Comment: This sequence change replaces serine, which is neutral and polar, with leucine, which is neutral and non-polar, at codon 1740 of the KIDINS220 protein (p.Ser1740Leu). This variant is present in population databases (no rsID available, gnomAD 0.06%). This variant has not been reported in the literature in individuals affected with KIDINS220-related conditions. An algorithm developed to predict the effect of missense changes on protein structure and function (PolyPhen-2) suggests that this variant is likely to be tolerated. In summary, the available evidence is currently insufficient to determine the role of this variant in disease. Therefore, it has been classified as a Variant of Uncertain Significance.

NM_020738.4(KIDINS220):c.5219C>T (p.Ser1740Leu)

Gene: KIDINS220 (kinase D interacting substrate 220; minus strand). Cytogenetic location: 2p25.1.
Variant type: single nucleotide variant.
Coding change: c.5219C>T on transcript NM_020738.4 (MANE Select); coding-DNA position 5219, C replaced by T.
Protein change: p.Ser1740Leu; replaces serine 1740 with leucine.
Molecular consequence: missense variant. On other transcripts: intron variant (6).
Genome position (GRCh38, 1-based): chr2:8,730,817, G>A on the plus strand (C>T on the coding strand, the complement: KIDINS220 is on the minus strand). VCF-style: chr2-8730817-G-A. GRCh37 (hg19) VCF-style: chr2-8870947-G-A.
Other names: c.5222C>T, p.Ser1741Leu (NM_001348729.2); c.5165C>T, p.Ser1722Leu (NM_001348731.2); c.5162C>T, p.Ser1721Leu (NM_001348732.2); c.5051C>T, p.Ser1684Leu (NM_001348734.2); c.5048C>T, p.Ser1683Leu (NM_001348735.2); c.4922C>T, p.Ser1641Leu (NM_001348736.2); c.3882+2627C>T (NM_001348741.2, NM_001348742.2, NM_001348743.2); c.3996+2627C>T (NM_001348738.2); and 1 more; short protein forms S1684L, S1740L, S1641L, S1683L, S1721L, S1722L, S1741L.
Identifiers: ClinVar variation 2697731 (VCV002697731.3), dbSNP rs764819132, ClinGen allele CA345761172.
Genomic context (GRCh38, chr2:8,730,817, plus strand): 5'-CTCTCAGAAGAGGCTGCTGCATGGAGCTCCGGAGGATCTTTGGAGAGCCTTGTGTAACTT[G>A]AACGTTGGCTTCGCTTATGTGTCATGCTTTTTAGATTCTCATTCTGAATAGTGGTTGGGT-3'
Protein context (NP_065789.1, residues 1730-1750): KSMTHKRSQR[Ser1740Leu]SYTRLSKDPP